The following is an entry in ClinVar:

ClinVar aggregate classification (germline): Uncertain significance. Review status: criteria provided, multiple submitters, no conflicts (2 of 4 stars). 2 submissions from 2 submitters: Uncertain significance (2). Last evaluated 2025-05-12.

Conditions:
Aortic aneurysm, familial thoracic 4 (AAT4). Also called: AORTIC ANEURYSM/AORTIC DISSECTION AND PATENT DUCTUS ARTERIOSUS. Identifiers: MedGen C1851504, MONDO:0007568, OMIM 132900.

Allele frequency attached by ClinVar (database versions not stated): gnomAD exomes below 0.00001.
gnomAD v4.1: 1 of 1,611,750 alleles (0.000062%); highest among the groups gnomAD compares: Non-Finnish European, 0.000085%; no homozygotes.

Submissions (2):

GeneDx
Classification: Uncertain significance. Last evaluated: 2025-05-12. Review status: criteria provided, single submitter. Criteria: GeneDx Variant Classification Process June 2021. Collection method: clinical testing. Allele origin: germline. Affected: yes.
Comment: Not observed at significant frequency in large population cohorts (gnomAD); In silico analysis supports that this missense variant has a deleterious effect on protein structure/function; Has not been previously published as pathogenic or benign to our knowledge

Labcorp Genetics (formerly Invitae), Labcorp
Classification: Uncertain significance for Aortic aneurysm, familial thoracic 4. Last evaluated: 2022-11-23. Review status: criteria provided, single submitter. Criteria: Invitae Variant Classification Sherloc (09022015). Collection method: clinical testing. Allele origin: germline.
Comment: This variant is not present in population databases (gnomAD no frequency). In summary, the available evidence is currently insufficient to determine the role of this variant in disease. Therefore, it has been classified as a Variant of Uncertain Significance. Advanced modeling of protein sequence and biophysical properties (such as structural, functional, and spatial information, amino acid conservation, physicochemical variation, residue mobility, and thermodynamic stability) performed at Invitae indicates that this missense variant is not expected to disrupt MYH11 protein function. This variant has not been reported in the literature in individuals affected with MYH11-related conditions. This sequence change replaces glutamine, which is neutral and polar, with arginine, which is basic and polar, at codon 925 of the MYH11 protein (p.Gln925Arg).

NM_002474.3(MYH11):c.2753A>G (p.Gln918Arg)

Gene: MYH11 (myosin heavy chain 11; minus strand). Cytogenetic location: 16p13.11.
Variant type: single nucleotide variant.
Coding change: c.2753A>G on transcript NM_002474.3 (MANE Select); coding-DNA position 2753, A replaced by G.
Protein change: p.Gln918Arg; replaces glutamine 918 with arginine.
Molecular consequence: missense variant.
Genome position (GRCh38, 1-based): chr16:15,741,569, T>C on the plus strand (A>G on the coding strand, the complement: MYH11 is on the minus strand). VCF-style: chr16-15741569-T-C. GRCh37 (hg19) VCF-style: chr16-15835426-T-C.
Other names: c.2774A>G, p.Gln925Arg (NM_001040113.2, NM_001040114.2); c.2753A>G, p.Gln918Arg (NM_022844.3); short protein forms Q918R, Q925R.
Identifiers: ClinVar variation 2188462 (VCV002188462.6), dbSNP rs2506205489, ClinGen allele CA394865303.